The following is an entry in ClinVar:

ClinVar aggregate classification (germline): Uncertain significance. Review status: criteria provided, multiple submitters, no conflicts (2 of 4 stars). 2 submissions from 2 submitters: Uncertain significance (2). Last evaluated 2026-04-09.

Conditions:
PAX3-related disorder. Also called: PAX3-related condition.

gnomAD v4.1: 21 of 1,612,400 alleles (0.0013%); highest among the groups gnomAD compares: South Asian, 0.0044%; no homozygotes.

Submissions (2):

PreventionGenetics, part of Exact Sciences
Classification: Uncertain significance for PAX3-related condition. Last evaluated: 2026-04-09. Review status: criteria provided, single submitter. Criteria: ACMG Guidelines, 2015. Collection method: clinical testing. Allele origin: germline.
Comment: The PAX3 c.1232C>T variant is predicted to result in the amino acid substitution p.Ala411Val. To our knowledge, this variant has not been reported in the literature. This variant is reported in 0.0066% of alleles in individuals of South Asian descent in gnomAD. At this time, the clinical significance of this variant is uncertain due to the absence of conclusive functional and genetic evidence.

GeneDx
Classification: Uncertain significance. Last evaluated: 2023-11-13. Review status: criteria provided, single submitter. Criteria: GeneDx Variant Classification Process June 2021. Collection method: clinical testing. Allele origin: germline. Affected: yes.
Comment: In silico analysis supports that this missense variant does not alter protein structure/function; Has not been previously published as pathogenic or benign to our knowledge

NM_181458.4(PAX3):c.1232C>T (p.Ala411Val)

Gene: PAX3 (paired box 3; minus strand). Cytogenetic location: 2q36.1.
Variant type: single nucleotide variant.
Coding change: c.1232C>T on transcript NM_181458.4 (MANE Select); coding-DNA position 1232, C replaced by T.
Protein change: p.Ala411Val; replaces alanine 411 with valine.
Molecular consequence: missense variant. On other transcripts: intron variant (2).
Genome position (GRCh38, 1-based): chr2:222,202,132, G>A on the plus strand (C>T on the coding strand, the complement: PAX3 is on the minus strand). VCF-style: chr2-222202132-G-A. GRCh37 (hg19) VCF-style: chr2-223066851-G-A.
Other names: c.1229C>T, p.Ala410Val (NM_001127366.3); c.1232C>T, p.Ala411Val (NM_181457.4, NM_181459.4); c.1174-690C>T (NM_181460.4, NM_181461.4); short protein forms A410V, A411V.
Identifiers: ClinVar variation 3364030 (VCV003364030.2).